The following is an entry in ClinVar:

NM_002180.3(IGHMBP2):c.1605T>G (p.Ile535Met)

Genes: IGHMBP2 (immunoglobulin mu DNA binding protein 2; plus strand), LOC126861245 (CDK7 strongly-dependent group 2 enhancer GRCh37_chr11:68701479-68702678; plus strand). Cytogenetic location: 11q13.3.
Variant type: single nucleotide variant.
Coding change: c.1605T>G on transcript NM_002180.3 (MANE Select); coding-DNA position 1605, T replaced by G.
Protein change: p.Ile535Met; replaces isoleucine 535 with methionine.
Molecular consequence: missense variant.
Genome position (GRCh38, 1-based): chr11:68,934,531, T>G. VCF-style: chr11-68934531-T-G. GRCh37 (hg19) VCF-style: chr11-68701999-T-G.
Other names: short protein forms I535M.
Identifiers: ClinVar variation 917095 (VCV000917095.14), dbSNP rs1225363387, ClinGen allele CA381650930.
Genomic context (GRCh38, chr11:68,934,531, plus strand): 5'-CCGCCTCGTCAGTTTGCACATCCAGGCTCTGGTGGACGCTGGTGTTCCAGCCCGTGACAT[T>G]GCTGTGGTCTCGCCATACAACCTCCAGGTACGAGGGTTTCCTTTTGTCCCTCTACAGAGC-3'
Protein context (NP_002171.2, residues 525-545): LVDAGVPARD[Ile535Met]AVVSPYNLQV

ClinVar aggregate classification (germline): Uncertain significance. Review status: criteria provided, multiple submitters, no conflicts (2 of 4 stars). 3 submissions from 3 submitters: Uncertain significance (3). Last evaluated 2021-10-14.

Conditions:
Autosomal recessive distal spinal muscular atrophy 1. Also called: HMN VI; NEURONOPATHY, SEVERE INFANTILE AXONAL, WITH RESPIRATORY FAILURE; SEVERE INFANTILE AXONAL NEUROPATHY WITH RESPIRATORY FAILURE; NEURONOPATHY, DISTAL HEREDITARY MOTOR, HARDING TYPE VI; NEUROPATHY, DISTAL HEREDITARY MOTOR, AUTOSOMAL RECESSIVE 1; SPINAL MUSCULAR ATROPHY, DIAPHRAGMATIC. Identifiers: Orphanet 98920, MedGen C1858517, MONDO:0011436, OMIM 604320.
Charcot-Marie-Tooth disease axonal type 2S. Also called: CHARCOT-MARIE-TOOTH DISEASE, AXONAL, AUTOSOMAL RECESSIVE, TYPE 2S; CHARCOT-MARIE-TOOTH NEUROPATHY, TYPE 2S. Identifiers: Orphanet 443073, MedGen C4015349, MONDO:0014511, OMIM 616155.
Charcot-Marie-Tooth disease. Also called: Charcot-Marie-Tooth Hereditary Neuropathy; Charcot-Marie-Tooth Neuropathy. Identifiers: Orphanet 166, MedGen C0007959, MONDO:0015626.

Allele frequency attached by ClinVar (database versions not stated): gnomAD exomes 0.00001; TOPMed 0.00002; gnomAD 0.00003.
gnomAD v4.1: 20 of 1,612,710 alleles (0.0012%); highest among the groups gnomAD compares: Non-Finnish European, 0.0017%; no homozygotes.

Submissions (3):

ARUP Laboratories, Molecular Genetics and Genomics, ARUP Laboratories
Classification: Uncertain significance. Last evaluated: 2021-10-14. Review status: criteria provided, single submitter. Criteria: ARUP Molecular Germline Variant Investigation Process 2021. Collection method: clinical testing. Allele origin: germline.
Comment: The IGHMBP2 c.1605T>G; p.Ile535Met variant (rs1225363387) is reported in the literature in an individual affected with Charcot-Marie-Tooth disease, although its clinical significance was considered uncertain (Volodarsky 2021). This variant is found on a single chromosome in the Genome Aggregation Database (1/247364 alleles), indicating it is not a common polymorphism. The isoleucine at codon 535 is highly conserved, but computational analyses are uncertain whether this variant is neutral or deleterious (REVEL: 0.518). Due to limited information, the clinical significance of the p.Ile535Met variant is uncertain at this time. References: Volodarsky M et al. Comprehensive genetic sequence and copy number analysis for Charcot-Marie-Tooth disease in a Canadian cohort of 2517 patients. J Med Genet. 2021 Apr;58(4):284-288. PMID: 32376792.

Labcorp Genetics (formerly Invitae), Labcorp
Classification: Uncertain significance for Autosomal recessive distal spinal muscular atrophy 1; Charcot-Marie-Tooth disease axonal type 2S. Last evaluated: 2021-08-28. Review status: criteria provided, single submitter. Criteria: Invitae Variant Classification Sherloc (09022015). Collection method: clinical testing. Allele origin: germline.
Comment: This sequence change replaces isoleucine with methionine at codon 535 of the IGHMBP2 protein (p.Ile535Met). The isoleucine residue is highly conserved and there is a small physicochemical difference between isoleucine and methionine. This variant is not present in population databases (ExAC no frequency). This variant has not been reported in the literature in individuals affected with IGHMBP2-related conditions. Algorithms developed to predict the effect of missense changes on protein structure and function output the following: SIFT: "Deleterious"; PolyPhen-2: "Possibly Damaging"; Align-GVGD: "Class C0". The methionine amino acid residue is found in multiple mammalian species, which suggests that this missense change does not adversely affect protein function. In summary, the available evidence is currently insufficient to determine the role of this variant in disease. Therefore, it has been classified as a Variant of Uncertain Significance.

Molecular Genetics Laboratory, London Health Sciences Centre
Classification: Uncertain significance for Charcot-Marie-Tooth disease. Review status: criteria provided, single submitter. Criteria: ACMG Guidelines, 2015. Collection method: clinical testing. Allele origin: germline. Affected: yes.